The following is an entry in ClinVar:

NM_001365480.1(CCDC88A):c.4559C>T (p.Thr1520Met)

Gene: CCDC88A (coiled-coil domain containing 88A; minus strand). Cytogenetic location: 2p16.1.
Variant type: single nucleotide variant.
Coding change: c.4559C>T on transcript NM_001365480.1 (MANE Select); coding-DNA position 4559, C replaced by T.
Protein change: p.Thr1520Met; replaces threonine 1520 with methionine.
Molecular consequence: missense variant.
Genome position (GRCh38, 1-based): chr2:55,301,985, G>A on the plus strand (C>T on the coding strand, the complement: CCDC88A is on the minus strand). VCF-style: chr2-55301985-G-A. GRCh37 (hg19) VCF-style: chr2-55529121-G-A.
Other names: c.4556C>T, p.Thr1519Met (NM_001135597.2, NM_001254943.2); c.4475C>T, p.Thr1492Met (NM_018084.5); short protein forms T1519M, T1520M, T1492M.
Identifiers: ClinVar variation 1365318 (VCV001365318.5), dbSNP rs200839306, ClinGen allele CA1665555.
Genomic context (GRCh38, chr2:55,301,985, plus strand): 5'-GAAAAGTTGATGGCTGTAGTAGAGAAGGCCATAGCTCCCAATTCTTTTCTCCTTTTACCC[G>A]TTGAAATATCATCAGGAACCTCCAAATTCTCAGTACTACCTGTCCACTGTCCTGCTAGGA-3'
Protein context (NP_001352409.1, residues 1510-1530): ENLEVPDDIS[Thr1520Met]GKRRKELGAM

ClinVar aggregate classification (germline): Uncertain significance (1 of 4 stars; one submission).

Allele frequency attached by ClinVar (database versions not stated): ExAC 0.00002; gnomAD exomes 0.00002; TOPMed 0.00002.
gnomAD v4.1: 21 of 1,613,972 alleles (0.0013%); highest among the groups gnomAD compares: Non-Finnish European, 0.0016%; no homozygotes.

Submission:

Labcorp Genetics (formerly Invitae), Labcorp
Classification: Uncertain significance. Last evaluated: 2022-08-23. Review status: criteria provided, single submitter. Criteria: Invitae Variant Classification Sherloc (09022015). Collection method: clinical testing. Allele origin: germline.
Comment: This sequence change replaces threonine, which is neutral and polar, with methionine, which is neutral and non-polar, at codon 1519 of the CCDC88A protein (p.Thr1519Met). This variant is present in population databases (rs200839306, gnomAD 0.007%). This variant has not been reported in the literature in individuals affected with CCDC88A-related conditions. ClinVar contains an entry for this variant (Variation ID: 1365318). Algorithms developed to predict the effect of missense changes on protein structure and function are either unavailable or do not agree on the potential impact of this missense change (SIFT: "Deleterious"; PolyPhen-2: "Possibly Damaging"; Align-GVGD: "Class C0"). In summary, the available evidence is currently insufficient to determine the role of this variant in disease. Therefore, it has been classified as a Variant of Uncertain Significance.